The following is an entry in ClinVar:

NM_001372.4(DNAH9):c.11176C>T (p.Arg3726Trp)

Gene: DNAH9 (dynein axonemal heavy chain 9; plus strand). Cytogenetic location: 17p12.
Variant type: single nucleotide variant.
Coding change: c.11176C>T on transcript NM_001372.4 (MANE Select); coding-DNA position 11176, C replaced by T.
Protein change: p.Arg3726Trp; replaces arginine 3726 with tryptophan.
Molecular consequence: missense variant.
Genome position (GRCh38, 1-based): chr17:11,891,840, C>T. VCF-style: chr17-11891840-C-T. GRCh37 (hg19) VCF-style: chr17-11795157-C-T.
Other names: c.112C>T, p.Arg38Trp (NM_004662.2); short protein forms R3726W, R38W.
Identifiers: ClinVar variation 3046829 (VCV003046829.7), dbSNP rs3760436, ClinGen allele CA8397758.

ClinVar aggregate classification (germline): Conflicting classifications of pathogenicity. Review status: criteria provided, conflicting classifications (1 of 4 stars). 4 submissions from 4 submitters: Likely pathogenic (1); Uncertain significance (1); Likely benign (1). 1 of the submissions does not count toward it. Last evaluated 2026-09-21.

Conditions:
DNAH9-related disorder. Also called: DNAH9-related condition.
Ciliary dyskinesia, primary, 40. Also called: CILIARY DYSKINESIA, PRIMARY, 40, WITH OR WITHOUT SITUS INVERSUS. Identifiers: MedGen C4749028, MONDO:0032664, OMIM 618300.

Allele frequency attached by ClinVar (database versions not stated): ESP Exome Variant Server 0.00008; gnomAD 0.00019; TOPMed 0.00020; gnomAD exomes 0.00022; ExAC 0.00043; 1000 Genomes Project 30x 0.00109; 1000 Genomes Project 0.00140.
gnomAD v4.1: 341 of 1,614,066 alleles (0.021%); highest among the groups gnomAD compares: East Asian, 0.63%; 1 homozygote.

Submissions (4):

GeneDx
Classification: Likely pathogenic. Last evaluated: 2026-09-21. Review status: criteria provided, single submitter. Criteria: GeneDx Variant Classification Process June 2021. Collection method: clinical testing. Allele origin: germline.
Comment: In silico analysis supports that this missense variant has a deleterious effect on protein structure/function; This variant is associated with the following publications: (PMID: 35050399, 37168556, 39267058, 40376972, 40065384, Kong2026[article])

Labcorp Genetics (formerly Invitae), Labcorp
Classification: Likely benign. Last evaluated: 2026-02-02. Review status: criteria provided, single submitter. Criteria: Invitae Variant Classification Sherloc (09022015). Collection method: clinical testing. Allele origin: germline.

3billion
Classification: Uncertain significance for Ciliary dyskinesia, primary, 40. Last evaluated: 2023-06-01. Review status: criteria provided, single submitter. Criteria: ACMG Guidelines, 2015. Collection method: clinical testing. Allele origin: germline. Affected: yes.
Comment: The variant is observed at an extremely low frequency in the gnomAD v2.1.1 dataset (total allele frequency: 0.038%). Predicted Consequence/Location: Protein truncation variants are a common disease-causing mechanism. In silico tool predictions suggest damaging effect of the variant on gene or gene product (REVEL: 0.62; 3Cnet: 0.90). Same nucleotide change resulting in same amino acid change has been previously reported to be associated with DNAH9 related disorder (PMID: 35050399). However, the evidence of pathogenicity is insufficient at this time. Therefore, this variant is classified as VUS according to the recommendation of ACMG/AMP guideline.

PreventionGenetics, part of Exact Sciences
Classification: Likely benign for DNAH9-related condition. Last evaluated: 2020-10-19. Review status: no assertion criteria provided. Collection method: clinical testing. Allele origin: germline. Not counted in ClinVar's aggregate classification.
Comment: This variant is classified as likely benign based on ACMG/AMP sequence variant interpretation guidelines (Richards et al. 2015 PMID: 25741868, with internal and published modifications).

Literature cited by the submitters: PubMed 35050399 (cited by 3billion).